The following is an entry in ClinVar:

ClinVar aggregate classification (germline): Uncertain significance (1 of 4 stars; one submission).

Submission:

Labcorp Genetics (formerly Invitae), Labcorp
Classification: Uncertain significance for Combined immunodeficiency due to DOCK8 deficiency. Last evaluated: 2023-10-04. Review status: criteria provided, single submitter. Criteria: Invitae Variant Classification Sherloc (09022015). Collection method: clinical testing. Allele origin: germline.
Comment: This sequence change replaces asparagine, which is neutral and polar, with aspartic acid, which is acidic and polar, at codon 455 of the DOCK8 protein (p.Asn455Asp). This variant is not present in population databases (gnomAD no frequency). This variant has not been reported in the literature in individuals affected with DOCK8-related conditions. Advanced modeling of protein sequence and biophysical properties (such as structural, functional, and spatial information, amino acid conservation, physicochemical variation, residue mobility, and thermodynamic stability) performed at Invitae indicates that this missense variant is not expected to disrupt DOCK8 protein function. In summary, the available evidence is currently insufficient to determine the role of this variant in disease. Therefore, it has been classified as a Variant of Uncertain Significance.

NM_203447.4(DOCK8):c.1363A>G (p.Asn455Asp)

Gene: DOCK8 (dedicator of cytokinesis 8; plus strand). Cytogenetic location: 9p24.3.
Variant type: single nucleotide variant.
Coding change: c.1363A>G on transcript NM_203447.4 (MANE Select); coding-DNA position 1363, A replaced by G.
Protein change: p.Asn455Asp; replaces asparagine 455 with aspartic acid.
Molecular consequence: missense variant.
Genome position (GRCh38, 1-based): chr9:336,659, A>G. VCF-style: chr9-336659-A-G. GRCh37 (hg19) VCF-style: chr9-336659-A-G.
Other names: c.1159A>G, p.Asn387Asp (NM_001190458.2, NM_001193536.2); short protein forms N387D, N455D.
Identifiers: ClinVar variation 2765597 (VCV002765597.2), dbSNP rs2537992078, ClinGen allele CA372753324.
Genomic context (GRCh38, chr9:336,659, plus strand): 5'-GAACGGAGGACATTGGCCCAATCTAGAAGGCTTTCTGAAAGAGCCCTCTCCTTGGAGGAA[A>G]ATGGGGTTGGATCCAACTTCAAAACCTCCACTCTGAGCGTTAGCAGCTTTTTCAAGCAGG-3'
Protein context (NP_982272.2, residues 445-465): LSERALSLEE[Asn455Asp]GVGSNFKTST